The following is an entry in ClinVar:

NM_003611.3(OFD1):c.1732GTG[3] (p.Val579_Pro580insVal)

Gene: OFD1 (OFD1 centriole and centriolar satellite protein; plus strand). Cytogenetic location: Xp22.2.
Variant type: Microsatellite.
Coding change: c.1732GTG[3] on transcript NM_003611.3 (MANE Select); three copies in a row of the 3-base unit GTG starting at c.1732; the reference has two copies in a row; one copy, 3 bases duplicated.
Protein change: p.Val579_Pro580insVal.
Molecular consequence: inframe insertion.
Genome position (GRCh38, 1-based): chrX:13,760,195-13,760,197, GTG duplicated; duplicating any 3 consecutive bases within chrX:13,760,192-13,760,197 gives the same sequence; the position shown is the placement nearest the transcript's 3' end. VCF-style (leftmost placement, unchanged base first): chrX-13760191-T-TGTG. GRCh37 (hg19) VCF-style: chrX-13778310-T-TGTG.
Other names: c.1612GTG[3], p.Val539_Pro540insVal (NM_001330209.2); c.1312GTG[3], p.Val439_Pro440insVal (NM_001330210.2).
Identifiers: ClinVar variation 1995339 (VCV001995339.4), dbSNP rs2518937146, ClinGen allele CA2580615381.

ClinVar aggregate classification (germline): Uncertain significance (1 of 4 stars; one submission).

Conditions:
Joubert syndrome. Also called: CEREBELLOPARENCHYMAL DISORDER IV; JOUBERT-BOLTSHAUSER SYNDROME; Familial aplasia of the vermis. Identifiers: Orphanet 475, MedGen C5979921, MONDO:0018772.
Orofaciodigital syndrome I (OFD1). Also called: OFDS I; Papillon-Leage and Psaume Syndrome; Oral-Facial-Digital Syndrome Type I. Identifiers: Orphanet 2750, MedGen C1510460, MONDO:0010702, OMIM 311200.

Submission:

Labcorp Genetics (formerly Invitae), Labcorp
Classification: Uncertain significance for Orofaciodigital syndrome I; Joubert syndrome. Last evaluated: 2022-05-31. Review status: criteria provided, single submitter. Criteria: Invitae Variant Classification Sherloc (09022015). Collection method: clinical testing. Allele origin: germline.
Comment: In summary, the available evidence is currently insufficient to determine the role of this variant in disease. Therefore, it has been classified as a Variant of Uncertain Significance. This variant, c.1735_1737dup, results in the insertion of 1 amino acid(s) of the OFD1 protein (p.Val579dup), but otherwise preserves the integrity of the reading frame. This variant is not present in population databases (gnomAD no frequency). This variant has not been reported in the literature in individuals affected with OFD1-related conditions.